The following is an entry in ClinVar:

ClinVar aggregate classification (germline): Uncertain significance (1 of 4 stars; one submission).

gnomAD v4.1: 2 of 1,614,006 alleles (0.00012%); highest among the groups gnomAD compares: South Asian, 0.0011%; no homozygotes.

Submission:

GeneDx
Classification: Uncertain significance. Last evaluated: 2026-03-26. Review status: criteria provided, single submitter. Criteria: GeneDx Variant Classification Process June 2021. Collection method: clinical testing. Allele origin: germline.
Comment: Not observed at significant frequency in large population cohorts (gnomAD); In silico analysis suggests that this missense variant does not alter protein structure/function; Has not been previously published as pathogenic or benign to our knowledge

NM_003906.5(MCM3AP):c.605C>T (p.Ala202Val)

Gene: MCM3AP (minichromosome maintenance complex component 3 associated protein; minus strand). Cytogenetic location: 21q22.3.
Variant type: single nucleotide variant.
Coding change: c.605C>T on transcript NM_003906.5 (MANE Select); coding-DNA position 605, C replaced by T.
Protein change: p.Ala202Val; replaces alanine 202 with valine.
Molecular consequence: missense variant.
Genome position (GRCh38, 1-based): chr21:46,284,682, G>A on the plus strand (C>T on the coding strand, the complement: MCM3AP is on the minus strand). VCF-style: chr21-46284682-G-A. GRCh37 (hg19) VCF-style: chr21-47704596-G-A.
Other names: short protein forms A202V.
Identifiers: ClinVar variation 5017603 (VCV005017603.1).